The following is an entry in ClinVar:

ClinVar aggregate classification (germline): Pathogenic (1 of 4 stars; one submission).

Conditions:
Multiple congenital exostosis (EXT). Also called: Hereditary multiple exostoses; Hereditary multiple exostosis; Hereditary multiple osteochondromas; MULTIPLE CARTILAGINOUS EXOSTOSES; Multiple exostoses; Multiple osteochondromas. Identifiers: Orphanet 321, MedGen C0015306, MONDO:0005508, HP:0002762.

Submission:

Labcorp Genetics (formerly Invitae), Labcorp
Classification: Pathogenic for Multiple congenital exostosis. Last evaluated: 2019-07-31. Review status: criteria provided, single submitter. Criteria: Invitae Variant Classification Sherloc (09022015). Collection method: clinical testing. Allele origin: germline.
Comment: This variant is a gross deletion of the genomic region encompassing exon 11 of the EXT1 gene. The 5' boundary is likely confined to intron 10. The 3' end of this event is unknown as it extends through the termination codon beyond the assayed region for this gene and may encompass additional genes. While this deletion is not anticipated to result in nonsense mediated decay, it is expected to create a truncated protein product or disrupt mRNA translation. This variant has been observed to be de novo in an individual affected with mutiple osteochondromas (PMID: 21499719). For these reasons, this variant has been classified as Pathogenic.

Literature cited by the submitters: PubMed 21499719.

NC_000008.11:g.(?_117799692)_(117799917_?)del

Gene: EXT1 (exostosin glycosyltransferase 1; minus strand). Cytogenetic location: 8q24.11.
Variant type: Deletion.
Identifiers: ClinVar variation 833208 (VCV000833208.1).